The following is an entry in ClinVar:

ClinVar aggregate classification (germline): Uncertain significance (1 of 4 stars; one submission).

Allele frequency attached by ClinVar (database versions not stated): gnomAD exomes 0.00001.
gnomAD v4.1: 4 of 1,613,716 alleles (0.00025%); highest among the groups gnomAD compares: Non-Finnish European, 0.00034%; no homozygotes.

Submission:

Labcorp Genetics (formerly Invitae), Labcorp
Classification: Uncertain significance. Last evaluated: 2023-11-27. Review status: criteria provided, single submitter. Criteria: Invitae Variant Classification Sherloc (09022015). Collection method: clinical testing. Allele origin: germline.
Comment: This sequence change replaces tyrosine, which is neutral and polar, with histidine, which is basic and polar, at codon 1874 of the SZT2 protein (p.Tyr1874His). This variant is not present in population databases (gnomAD no frequency). This variant has not been reported in the literature in individuals affected with SZT2-related conditions. ClinVar contains an entry for this variant (Variation ID: 944164). Advanced modeling of protein sequence and biophysical properties (such as structural, functional, and spatial information, amino acid conservation, physicochemical variation, residue mobility, and thermodynamic stability) performed at Invitae indicates that this missense variant is not expected to disrupt SZT2 protein function with a negative predictive value of 80%. In summary, the available evidence is currently insufficient to determine the role of this variant in disease. Therefore, it has been classified as a Variant of Uncertain Significance.

NM_001365999.1(SZT2):c.5791T>C (p.Tyr1931His)

Gene: SZT2 (SZT2 subunit of KICSTOR complex; plus strand). Cytogenetic location: 1p34.2.
Variant type: single nucleotide variant.
Coding change: c.5791T>C on transcript NM_001365999.1 (MANE Select); coding-DNA position 5791, T replaced by C.
Protein change: p.Tyr1931His; replaces tyrosine 1931 with histidine.
Molecular consequence: missense variant.
Genome position (GRCh38, 1-based): chr1:43,433,177, T>C. VCF-style: chr1-43433177-T-C. GRCh37 (hg19) VCF-style: chr1-43898848-T-C.
Other names: c.5620T>C, p.Tyr1874His (NM_015284.4); short protein forms Y1874H, Y1931H.
Identifiers: ClinVar variation 944164 (VCV000944164.7), dbSNP rs1654105092, ClinGen allele CA340026499.